The following is an entry in ClinVar:

ClinVar aggregate classification (germline): Benign (0 of 4 stars; one submission).

Conditions:
TSHZ1-related disorder. Also called: TSHZ1-related condition.

Allele frequency attached by ClinVar (database versions not stated): 1000 Genomes Project 30x 0.00187; 1000 Genomes Project 0.00220; gnomAD 0.00229 and 0.00264; ESP Exome Variant Server 0.00284; TOPMed 0.00307 and 0.00338; gnomAD exomes 0.00358 and 0.00435; ExAC 0.00377.
gnomAD v4.1: 6,773 of 1,614,204 alleles (0.42%); highest among the groups gnomAD compares: South Asian, 0.78%; 33 homozygotes.

Submission:

PreventionGenetics, part of Exact Sciences
Classification: Benign for TSHZ1-related condition. Last evaluated: 2020-09-17. Review status: no assertion criteria provided. Collection method: clinical testing. Allele origin: germline.
Comment: This variant is classified as benign based on ACMG/AMP sequence variant interpretation guidelines (Richards et al. 2015 PMID: 25741868, with internal and published modifications).

NM_001308210.2(TSHZ1):c.3141G>A (p.Ala1047=)

Gene: TSHZ1 (teashirt zinc finger homeobox 1; plus strand). Cytogenetic location: 18q22.3.
Variant type: single nucleotide variant.
Coding change: c.3141G>A on transcript NM_001308210.2 (MANE Select); coding-DNA position 3141, G replaced by A.
Protein change: p.Ala1047=; no amino-acid change (alanine 1047 retained).
Molecular consequence: synonymous variant.
Genome position (GRCh38, 1-based): chr18:75,288,548, G>A. VCF-style: chr18-75288548-G-A. GRCh37 (hg19) VCF-style: chr18-73000503-G-A.
Other names: c.3006G>A, p.Ala1002= (NM_005786.6).
Identifiers: ClinVar variation 3034213 (VCV003034213.2), dbSNP rs118011606, ClinGen allele CA9002429.
Genomic context (GRCh38, chr18:75,288,548, plus strand): 5'-GGCCACCGAGGAAGACTTGGGCTCCACATTCCAATGTAAGCTCTGCAACCGGACTTTTGC[G>A]AGCAAGCACGCAGTCAAACTGCACCTTAGTAAGACCCACGGCAAGTCTCCCGAGGACCAC-3'
Protein context (NP_001295139.1, residues 1037-1057): FQCKLCNRTF[Ala1047=]SKHAVKLHLS